The following is an entry in ClinVar:

ClinVar aggregate classification (germline): Benign (1 of 4 stars; one submission).

Conditions:
Fleck corneal dystrophy (CFD). Also called: CORNEAL DYSTROPHY, FRANCOIS-NEETENS SPECKLED OR FLECKED. Identifiers: Orphanet 98970, MedGen C1562113, MONDO:0007376, OMIM 121850.

Allele frequency attached by ClinVar (database versions not stated): gnomAD 0.01474 and 0.01573; TOPMed 0.01609; 1000 Genomes Project 0.01617; 1000 Genomes Project 30x 0.01640.

Submission:

Illumina Laboratory Services, Illumina
Classification: Benign for Fleck corneal dystrophy. Last evaluated: 2018-01-13. Review status: criteria provided, single submitter. Criteria: ICSL Variant Classification Criteria 13 December 2019. Collection method: clinical testing. Allele origin: germline.
Comment: This variant was observed in the ICSL laboratory as part of a predisposition screen in an ostensibly healthy population. It had not been previously curated by ICSL or reported in the Human Gene Mutation Database (HGMD: prior to June 1st, 2018), and was therefore a candidate for classification through an automated scoring system. Utilizing variant allele frequency, disease prevalence and penetrance estimates, and inheritance mode, an automated score was calculated to assess if this variant is too frequent to cause the disease. Based on the score and internal cut-off values, a variant classified as benign is not then subjected to further curation. The score for this variant resulted in a classification of benign for this disease.

NM_015040.4(PIKFYVE):c.*2247A>G

Gene: PIKFYVE (phosphoinositide kinase, FYVE-type zinc finger containing; plus strand). Cytogenetic location: 2q34.
Variant type: single nucleotide variant.
Coding change: c.*2247A>G on transcript NM_015040.4 (MANE Select); 2247 bases downstream of the stop codon, A replaced by G.
Molecular consequence: 3 prime UTR variant.
Genome position (GRCh38, 1-based): chr2:208,357,552, A>G. VCF-style: chr2-208357552-A-G. GRCh37 (hg19) VCF-style: chr2-209222276-A-G.
Identifiers: ClinVar variation 333970 (VCV000333970.5), dbSNP rs13391849, ClinGen allele CA10614100.